The following is an entry in ClinVar:

ClinVar aggregate classification (germline): Uncertain significance. Review status: criteria provided, multiple submitters, no conflicts (2 of 4 stars). 2 submissions from 2 submitters: Uncertain significance (2). Last evaluated 2024-11-18.

Conditions:
Inborn genetic diseases. Identifiers: MedGen C0950123, MeSH D030342.

Submissions (2):

Labcorp Genetics (formerly Invitae), Labcorp
Classification: Uncertain significance. Last evaluated: 2024-11-18. Review status: criteria provided, single submitter. Criteria: Invitae Variant Classification Sherloc (09022015). Collection method: clinical testing. Allele origin: germline.
Comment: This sequence change replaces alanine, which is neutral and non-polar, with threonine, which is neutral and polar, at codon 358 of the PRDM13 protein (p.Ala358Thr). This variant is not present in population databases (gnomAD no frequency). This variant has not been reported in the literature in individuals affected with PRDM13-related conditions. ClinVar contains an entry for this variant (Variation ID: 2865035). An algorithm developed to predict the effect of missense changes on protein structure and function (PolyPhen-2) suggests that this variant is likely to be tolerated. In summary, the available evidence is currently insufficient to determine the role of this variant in disease. Therefore, it has been classified as a Variant of Uncertain Significance.

Ambry Genetics
Classification: Uncertain significance for Inborn genetic diseases. Last evaluated: 2023-12-16. Review status: criteria provided, single submitter. Criteria: Ambry Variant Classification Scheme 2023. Collection method: clinical testing. Allele origin: germline.

NM_021620.4(PRDM13):c.1072G>A (p.Ala358Thr)

Genes: PRDM13 (PR/SET domain 13; plus strand), LOC129996881 (ATAC-STARR-seq lymphoblastoid silent region 17422; plus strand). Cytogenetic location: 6q16.2.
Variant type: single nucleotide variant.
Coding change: c.1072G>A on transcript NM_021620.4 (MANE Select); coding-DNA position 1072, G replaced by A.
Protein change: p.Ala358Thr; replaces alanine 358 with threonine.
Molecular consequence: missense variant.
Genome position (GRCh38, 1-based): chr6:99,613,707, G>A. VCF-style: chr6-99613707-G-A. GRCh37 (hg19) VCF-style: chr6-100061583-G-A.
Other names: c.1072G>A (NM_021620.3); short protein forms A358T.
Identifiers: ClinVar variation 2865035 (VCV002865035.4), dbSNP rs2538546063, ClinGen allele CA365117646.